The following is an entry in ClinVar:

NM_000051.4(ATM):c.8737_8738del (p.Asp2913fs)

Genes: C11orf65 (chromosome 11 open reading frame 65; minus strand), ATM (ATM serine/threonine kinase; plus strand). Cytogenetic location: 11q22.3.
Variant type: Microsatellite.
Coding change: c.8737_8738del on transcript NM_000051.4 (MANE Select); coding-DNA positions 8737 to 8738, 2 bases deleted (GA; older notation c.8737_8738delGA).
Protein change: p.Asp2913fs; shifts the reading frame from aspartic acid 2913.
Molecular consequence: frameshift variant. On other transcripts: intron variant (2).
Genome position (GRCh38, 1-based): chr11:108,353,831-108,353,832, GA deleted; deleting any 2 consecutive bases within chr11:108,353,828-108,353,832 gives the same sequence; the c. name uses the placement nearest the transcript's 3' end. VCF-style (leftmost placement, unchanged base first): chr11-108353827-CAG-C. GRCh37 (hg19) VCF-style: chr11-108224554-CAG-C.
Other names: c.8737_8738del, p.Asp2913fs (NM_001351834.2); c.640+32091_640+32092del (NM_001330368.2); c.695-18537_695-18536del (NM_001351110.2); short protein forms D2913fs.
Identifiers: ClinVar variation 1457622 (VCV001457622.7), dbSNP rs2137291785, ClinGen allele CA2580615028.

ClinVar aggregate classification (germline): Pathogenic (1 of 4 stars; one submission).

Conditions:
Ataxia-telangiectasia syndrome (AT). Also called: Ataxia-telangiectasia; LOUIS-BAR SYNDROME; Ataxia-telangiectasia, complementation group D; AT, COMPLEMENTATION GROUP C; ATAXIA-TELANGIECTASIA, COMPLEMENTATION GROUP A; ATAXIA-TELANGIECTASIA, FRESNO VARIANT. Identifiers: Orphanet 100, MedGen C0004135, MONDO:0008840, OMIM 208900.

Submission:

Labcorp Genetics (formerly Invitae), Labcorp
Classification: Pathogenic for Ataxia-telangiectasia syndrome. Last evaluated: 2024-01-02. Review status: criteria provided, single submitter. Criteria: Invitae Variant Classification Sherloc (09022015). Collection method: clinical testing. Allele origin: germline.
Comment: This sequence change creates a premature translational stop signal (p.Asp2913Tyrfs*11) in the ATM gene. It is expected to result in an absent or disrupted protein product. Loss-of-function variants in ATM are known to be pathogenic (PMID: 23807571, 25614872). This variant is not present in population databases (gnomAD no frequency). This premature translational stop signal has been observed in individual(s) with pancreatic cancer (PMID: 29922827). For these reasons, this variant has been classified as Pathogenic.

Literature cited by the submitters: PubMed 23807571; PubMed 25614872; PubMed 29922827.